The following is an entry in ClinVar:

ClinVar aggregate classification (germline): Uncertain significance (1 of 4 stars; one submission).

Submission:

Labcorp Genetics (formerly Invitae), Labcorp
Classification: Uncertain significance. Last evaluated: 2022-06-10. Review status: criteria provided, single submitter. Criteria: Invitae Variant Classification Sherloc (09022015). Collection method: clinical testing. Allele origin: germline.
Comment: In summary, the available evidence is currently insufficient to determine the role of this variant in disease. Therefore, it has been classified as a Variant of Uncertain Significance. Algorithms developed to predict the effect of missense changes on protein structure and function are either unavailable or do not agree on the potential impact of this missense change (SIFT: "Tolerated"; PolyPhen-2: "Possibly Damaging"; Align-GVGD: "Class C0"). This variant has not been reported in the literature in individuals affected with SLC26A1-related conditions. This variant is not present in population databases (gnomAD no frequency). This sequence change replaces histidine, which is basic and polar, with glutamine, which is neutral and polar, at codon 312 of the SLC26A1 protein (p.His312Gln).

NM_022042.4(SLC26A1):c.936C>G (p.His312Gln)

Genes: IDUA (alpha-L-iduronidase; plus strand), SLC26A1 (solute carrier family 26 member 1; minus strand). Cytogenetic location: 4p16.3.
Variant type: single nucleotide variant.
Coding change: c.936C>G on transcript NM_022042.4 (MANE Select); coding-DNA position 936, C replaced by G.
Protein change: p.His312Gln; replaces histidine 312 with glutamine.
Molecular consequence: missense variant. On other transcripts: intron variant (2).
Genome position (GRCh38, 1-based): chr4:990,003, G>C on the plus strand (C>G on the coding strand, the complement: SLC26A1 is on the minus strand). VCF-style: chr4-990003-G-C. GRCh37 (hg19) VCF-style: chr4-983791-G-C.
Other names: c.936C>G, p.His312Gln (NM_213613.4); c.576+1125C>G (NM_134425.4); c.299+2054G>C (NM_000203.5); short protein forms H312Q.
Identifiers: ClinVar variation 2115766 (VCV002115766.4), dbSNP rs2534024406, ClinGen allele CA355954206.